The following is an entry in ClinVar:

ClinVar aggregate classification (germline): Pathogenic. Review status: criteria provided, multiple submitters, no conflicts (2 of 4 stars). 2 submissions from 2 submitters: Pathogenic (2). Last evaluated 2023-08-01.

Conditions:
Cornelia de Lange syndrome 1 (CDLS1). Also called: TYPUS DEGENERATIVUS AMSTELODAMENSIS; NIPBL-Related Cornelia de Lange Syndrome; Brachmann de Lange syndrome. Identifiers: Orphanet 199, MedGen C4551851, MONDO:0007387, OMIM 122470.

Submissions (2):

CeGaT Center for Human Genetics Tuebingen
Classification: Pathogenic. Last evaluated: 2023-08-01. Review status: criteria provided, single submitter. Criteria: CeGaT Center For Human Genetics Tuebingen Variant Classification Criteria Version 2. Collection method: clinical testing. Allele origin: germline. Affected: yes. Observed: 1 variant allele.
Comment: NIPBL: PVS1, PS2, PM2, PS4:Supporting

Genetic Services Laboratory, University of Chicago
Classification: Pathogenic for Cornelia de Lange syndrome 1. Last evaluated: 2013-02-08. Review status: criteria provided, single submitter. Criteria: ACMG Guidelines, 2007. Collection method: clinical testing. Allele origin: germline. Inheritance: Autosomal dominant inheritance. Affected: yes.

NM_133433.4(NIPBL):c.3874G>T (p.Glu1292Ter)

Gene: NIPBL (NIPBL cohesin loading factor; plus strand). Cytogenetic location: 5p13.2.
Variant type: single nucleotide variant.
Coding change: c.3874G>T on transcript NM_133433.4 (MANE Select); coding-DNA position 3874, G replaced by T.
Protein change: p.Glu1292Ter; replaces glutamic acid 1292 with a stop codon.
Molecular consequence: nonsense.
Genome position (GRCh38, 1-based): chr5:37,006,375, G>T. VCF-style: chr5-37006375-G-T. GRCh37 (hg19) VCF-style: chr5-37006477-G-T.
Other names: c.3874G>T, p.Glu1292Ter (NM_015384.5); short protein forms E1292*.
Identifiers: ClinVar variation 159102 (VCV000159102.31), dbSNP rs587783936, ClinGen allele CA272091.